The following is an entry in ClinVar:

NM_004415.4(DSP):c.5242A>C (p.Thr1748Pro)

Gene: DSP (desmoplakin; plus strand). Cytogenetic location: 6p24.3.
Variant type: single nucleotide variant.
Coding change: c.5242A>C on transcript NM_004415.4 (MANE Select); coding-DNA position 5242, A replaced by C.
Protein change: p.Thr1748Pro; replaces threonine 1748 with proline.
Molecular consequence: missense variant. On other transcripts: intron variant (2).
Genome position (GRCh38, 1-based): chr6:7,581,432, A>C. VCF-style: chr6-7581432-A-C. GRCh37 (hg19) VCF-style: chr6-7581665-A-C.
Other names: c.4050+1192A>C (NM_001319034.2); c.3583-1210A>C (NM_001008844.3); short protein forms T1748P.
Identifiers: ClinVar variation 4614036 (VCV004614036.1).

ClinVar aggregate classification (germline): Uncertain significance (1 of 4 stars; one submission).

Conditions:
Cardiovascular phenotype. Identifiers: MedGen CN230736.

Submission:

Ambry Genetics
Classification: Uncertain significance for Cardiovascular phenotype. Last evaluated: 2025-10-05. Review status: criteria provided, single submitter. Criteria: Ambry Variant Classification Scheme 2023. Collection method: clinical testing. Allele origin: germline.
Comment: The p.T1748P variant (also known as c.5242A>C), located in coding exon 23 of the DSP gene, results from an A to C substitution at nucleotide position 5242. The threonine at codon 1748 is replaced by proline, an amino acid with highly similar properties. This amino acid position is conserved. In addition, the in silico prediction for this alteration is inconclusive. Based on the available evidence, the clinical significance of this variant remains unclear.